The following is an entry in ClinVar:

ClinVar aggregate classification (germline): Uncertain significance (1 of 4 stars; one submission).

Conditions:
Immunodeficiency 35 (IMD35). Also called: Susceptibility to infection due to TYK2 deficiency; TYK2 DEFICIENCY; HIES WITH ATYPICAL MYCOBACTERIOSIS, AUTOSOMAL RECESSIVE; HYPER-IgE SYNDROME WITH ATYPICAL MYCOBACTERIOSIS, AUTOSOMAL RECESSIVE. Identifiers: Orphanet 331226, MedGen C1969086, MONDO:0012682, OMIM 611521.

Allele frequency attached by ClinVar (database versions not stated): gnomAD exomes below 0.00001; gnomAD 0.00001; TOPMed 0.00001; ESP Exome Variant Server 0.00016.
gnomAD v4.1: 2 of 1,553,696 alleles (0.00013%); highest among the groups gnomAD compares: Admixed American, 0.002%; no homozygotes.

Submission:

Labcorp Genetics (formerly Invitae), Labcorp
Classification: Uncertain significance for Immunodeficiency 35. Last evaluated: 2018-12-25. Review status: criteria provided, single submitter. Criteria: Invitae Variant Classification Sherloc (09022015). Collection method: clinical testing. Allele origin: germline.
Comment: In summary, the available evidence is currently insufficient to determine the role of this variant in disease. Therefore, it has been classified as a Variant of Uncertain Significance. Algorithms developed to predict the effect of missense changes on protein structure and function (SIFT, PolyPhen-2, Align-GVGD) all suggest that this variant is likely to be tolerated, but these predictions have not been confirmed by published functional studies and their clinical significance is uncertain. This variant has not been reported in the literature in individuals with TYK2-related conditions. This variant is not present in population databases (ExAC no frequency). This sequence change replaces serine with isoleucine at codon 478 of the TYK2 protein (p.Ser478Ile). The serine residue is highly conserved and there is a large physicochemical difference between serine and isoleucine.

NM_003331.5(TYK2):c.1433G>T (p.Ser478Ile)

Gene: TYK2 (tyrosine kinase 2; minus strand). Cytogenetic location: 19p13.2.
Variant type: single nucleotide variant.
Coding change: c.1433G>T on transcript NM_003331.5 (MANE Select); coding-DNA position 1433, G replaced by T.
Protein change: p.Ser478Ile; replaces serine 478 with isoleucine.
Molecular consequence: missense variant.
Genome position (GRCh38, 1-based): chr19:10,362,592, C>A on the plus strand (G>T on the coding strand, the complement: TYK2 is on the minus strand). VCF-style: chr19-10362592-C-A. GRCh37 (hg19) VCF-style: chr19-10473268-C-A.
Other names: c.1433G>T (LRG_121t1); short protein forms S478I.
Identifiers: ClinVar variation 643115 (VCV000643115.9), dbSNP rs141250995, ClinGen allele CA305205008.
Genomic context (GRCh38, chr19:10,362,592, plus strand): 5'-CCCAGCCCTGGGCTCACCTGGCTACGCTGGGCCACTGTGAGGATCAGGCGGTAGGGGTGG[C>A]TGGTGCTCCAGTGAATGAGGTACAGGCCGTCCTCGGGCCGCAGCTTGGCCTGCACAAATG-3'
Protein context (NP_003322.3, residues 468-488): DGLYLIHWST[Ser478Ile]HPYRLILTVA